The following is an entry in ClinVar:

ClinVar aggregate classification (germline): Uncertain significance. Review status: criteria provided, multiple submitters, no conflicts (2 of 4 stars). 5 submissions from 5 submitters: Uncertain significance (3). 2 of the submissions do not count toward it. Last evaluated 2024-10-14.

Conditions:
Cole-Carpenter syndrome 2 (CLCRP2). Identifiers: Orphanet 2050, MedGen C4225382, MONDO:0014573, OMIM 616294.

Allele frequency attached by ClinVar (database versions not stated): TOPMed 0.00023; gnomAD 0.00028 and 0.00030; ExAC 0.00035; gnomAD exomes 0.00036 and 0.00054; ESP Exome Variant Server 0.00046.
gnomAD v4.1: 823 of 1,613,932 alleles (0.051%); highest among the groups gnomAD compares: South Asian, 0.087%; 1 homozygote.

Submissions (5):

GeneDx
Classification: Uncertain significance. Last evaluated: 2024-10-14. Review status: criteria provided, single submitter. Criteria: GeneDx Variant Classification Process June 2021. Collection method: clinical testing. Allele origin: germline. Affected: yes.
Comment: Reported in a patient with cleft lip and palate in published literature (PMID: 37676273); In silico analysis supports that this missense variant has a deleterious effect on protein structure/function; In silico analysis suggests this variant may impact gene splicing; in the absence of RNA/functional studies the actual effect of this sequence change is unknown; This variant is associated with the following publications: (PMID: 37676273)

Fulgent Genetics
Classification: Uncertain significance for Cole-Carpenter syndrome 2. Last evaluated: 2024-02-01. Review status: criteria provided, single submitter. Criteria: ACMG Guidelines, 2015. Collection method: clinical testing. Allele origin: germline.

Labcorp Genetics (formerly Invitae), Labcorp
Classification: Uncertain significance. Last evaluated: 2022-10-10. Review status: criteria provided, single submitter. Criteria: Invitae Variant Classification Sherloc (09022015). Collection method: clinical testing. Allele origin: germline.
Comment: This sequence change replaces arginine, which is basic and polar, with cysteine, which is neutral and slightly polar, at codon 912 of the SEC24D protein (p.Arg912Cys). This variant is present in population databases (rs150351420, gnomAD 0.07%). This variant has not been reported in the literature in individuals affected with SEC24D-related conditions. ClinVar contains an entry for this variant (Variation ID: 1205869). Algorithms developed to predict the effect of missense changes on protein structure and function output the following: SIFT: "Not Available"; PolyPhen-2: "Benign"; Align-GVGD: "Not Available". The cysteine amino acid residue is found in multiple mammalian species, which suggests that this missense change does not adversely affect protein function. Algorithms developed to predict the effect of sequence changes on RNA splicing suggest that this variant may create or strengthen a splice site. In summary, the available evidence is currently insufficient to determine the role of this variant in disease. Therefore, it has been classified as a Variant of Uncertain Significance.

Clinical Genetics DNA and cytogenetics Diagnostics Lab, Erasmus MC, Erasmus Medical Center
Classification: Uncertain significance. Review status: no assertion criteria provided. Collection method: clinical testing. Allele origin: germline. Affected: yes. Study: VKGL Data-share Consensus. Not counted in ClinVar's aggregate classification.

Laboratory of Diagnostic Genome Analysis, Leiden University Medical Center (LUMC)
Classification: Uncertain significance. Review status: no assertion criteria provided. Collection method: clinical testing. Allele origin: germline. Affected: yes. Study: VKGL Data-share Consensus. Not counted in ClinVar's aggregate classification.

NM_014822.4(SEC24D):c.2734C>T (p.Arg912Cys)

Gene: SEC24D (SEC24 homolog D, COPII coat complex component; minus strand). Cytogenetic location: 4q26.
Variant type: single nucleotide variant.
Coding change: c.2734C>T on transcript NM_014822.4 (MANE Select); coding-DNA position 2734, C replaced by T.
Protein change: p.Arg912Cys; replaces arginine 912 with cysteine.
Molecular consequence: missense variant.
Genome position (GRCh38, 1-based): chr4:118,731,450, G>A on the plus strand (C>T on the coding strand, the complement: SEC24D is on the minus strand). VCF-style: chr4-118731450-G-A. GRCh37 (hg19) VCF-style: chr4-119652605-G-A.
Other names: c.2737C>T, p.Arg913Cys (NM_001318066.2); c.2734C>T (NM_014822.3); short protein forms R912C, R913C.
Identifiers: ClinVar variation 1205869 (VCV001205869.7), dbSNP rs150351420, ClinGen allele CA3056883.